The following is an entry in ClinVar:

ClinVar aggregate classification (germline): Uncertain significance (1 of 4 stars; one submission).

Conditions:
Hereditary cancer-predisposing syndrome. Also called: Hereditary neoplastic syndrome; Tumor predisposition; Hereditary Cancer Syndrome; Neoplastic Syndromes, Hereditary. Identifiers: Orphanet 140162, MedGen C0027672, MeSH D009386, MONDO:0015356.

Submission:

Ambry Genetics
Classification: Uncertain significance for Hereditary cancer-predisposing syndrome. Last evaluated: 2023-08-24. Review status: criteria provided, single submitter. Criteria: Ambry Variant Classification Scheme 2023. Collection method: clinical testing. Allele origin: germline.
Comment: The p.I93V variant (also known as c.277A>G), located in coding exon 3 of the MRE11A gene, results from an A to G substitution at nucleotide position 277. The isoleucine at codon 93 is replaced by valine, an amino acid with highly similar properties. This amino acid position is well conserved in available vertebrate species. In addition, this alteration is predicted to be tolerated by in silico analysis. Since supporting evidence is limited at this time, the clinical significance of this alteration remains unclear.

NM_005591.4(MRE11):c.277A>G (p.Ile93Val)

Gene: MRE11 (MRE11 double strand break repair nuclease; minus strand). Cytogenetic location: 11q21.
Variant type: single nucleotide variant.
Coding change: c.277A>G on transcript NM_005591.4 (MANE Select); coding-DNA position 277, A replaced by G.
Protein change: p.Ile93Val; replaces isoleucine 93 with valine.
Molecular consequence: missense variant.
Genome position (GRCh38, 1-based): chr11:94,485,961, T>C on the plus strand (A>G on the coding strand, the complement: MRE11 is on the minus strand). VCF-style: chr11-94485961-T-C. GRCh37 (hg19) VCF-style: chr11-94219127-T-C.
Other names: c.277A>G, p.Ile93Val (NM_001330347.2, NM_005590.4); short protein forms I93V.
Identifiers: ClinVar variation 2586215 (VCV002586215.2), dbSNP rs2496619178, ClinGen allele CA382379488.